The following is an entry in ClinVar:

NM_024079.5(ALG8):c.1347C>T (p.Phe449=)

Gene: ALG8 (ALG8 alpha-1,3-glucosyltransferase; minus strand). Cytogenetic location: 11q14.1.
Variant type: single nucleotide variant.
Coding change: c.1347C>T on transcript NM_024079.5 (MANE Select); coding-DNA position 1347, C replaced by T.
Protein change: p.Phe449=; no amino-acid change (phenylalanine 449 retained).
Molecular consequence: synonymous variant.
Genome position (GRCh38, 1-based): chr11:78,103,982, G>A on the plus strand (C>T on the coding strand, the complement: ALG8 is on the minus strand). VCF-style: chr11-78103982-G-A. GRCh37 (hg19) VCF-style: chr11-77815028-G-A.
Other names: c.1347C>T, p.Phe449= (NM_001007027.3, NM_001425222.1, NM_001425230.1 and 1 more transcripts); c.1350C>T, p.Phe450= (NM_001425219.1); c.1332C>T, p.Phe444= (NM_001425220.1); c.1272C>T, p.Phe424= (NM_001425221.1); c.1341C>T, p.Phe447= (NM_001425223.1); c.1440C>T, p.Phe480= (NM_001425224.1); c.1395C>T, p.Phe465= (NM_001425225.1); c.1194C>T, p.Phe398= (NM_001425226.1, NM_001425236.1); and 9 more.
Identifiers: ClinVar variation 3005393 (VCV003005393.3), dbSNP rs923086678, ClinGen allele CA224903646.

ClinVar aggregate classification (germline): Uncertain significance (1 of 4 stars; one submission).

Conditions:
ALG8 congenital disorder of glycosylation. Also called: ALG8-CDG; CONGENITAL DISORDER OF GLYCOSYLATION, TYPE Ih; CDG Ih. Identifiers: Orphanet 79325, MedGen C2931002, MONDO:0011969, OMIM 608104.

Allele frequency attached by ClinVar (database versions not stated): gnomAD exomes below 0.00001.
gnomAD v4.1: 2 of 1,465,522 alleles (0.00014%); highest among the groups gnomAD compares: Admixed American, 0.0017%; no homozygotes.

Submission:

Labcorp Genetics (formerly Invitae), Labcorp
Classification: Uncertain significance for ALG8 congenital disorder of glycosylation. Last evaluated: 2025-08-04. Review status: criteria provided, single submitter. Criteria: Invitae Variant Classification Sherloc (09022015). Collection method: clinical testing. Allele origin: germline.
Comment: This sequence change affects codon 449 of the ALG8 mRNA. It is a 'silent' change, meaning that it does not change the encoded amino acid sequence of the ALG8 protein. This variant is not present in population databases (gnomAD no frequency). This variant has not been reported in the literature in individuals affected with ALG8-related conditions. ClinVar contains an entry for this variant (Variation ID: 3005393). Algorithms developed to predict the effect of sequence changes on RNA splicing suggest that this variant may disrupt the consensus splice site. In summary, the available evidence is currently insufficient to determine the role of this variant in disease. Therefore, it has been classified as a Variant of Uncertain Significance.